The following is an entry in ClinVar:

NM_000088.4(COL1A1):c.1003-30T>C

Gene: COL1A1 (collagen type I alpha 1 chain; minus strand). Cytogenetic location: 17q21.33.
Variant type: single nucleotide variant.
Coding change: c.1003-30T>C on transcript NM_000088.4 (MANE Select); 30 bases into the intron before coding-DNA position 1003, T replaced by C.
Molecular consequence: intron variant.
Genome position (GRCh38, 1-based): chr17:50,196,006, A>G on the plus strand (T>C on the coding strand, the complement: COL1A1 is on the minus strand). VCF-style: chr17-50196006-A-G. GRCh37 (hg19) VCF-style: chr17-48273367-A-G.
Identifiers: ClinVar variation 3047560 (VCV003047560.2), dbSNP rs199805116, ClinGen allele CA8645437.

ClinVar aggregate classification (germline): Likely benign (0 of 4 stars; one submission).

Conditions:
COL1A1-related disorder. Also called: COL1A1- related disease; COL1A1-related condition.

Allele frequency attached by ClinVar (database versions not stated): gnomAD exomes 0.00003; gnomAD 0.00006; TOPMed 0.00009; ExAC 0.00019; 1000 Genomes Project 0.00040; 1000 Genomes Project 30x 0.00047.
gnomAD v4.1: 50 of 1,598,158 alleles (0.0031%); highest among the groups gnomAD compares: East Asian, 0.11%; no homozygotes.

Submission:

PreventionGenetics, part of Exact Sciences
Classification: Likely benign for COL1A1-related condition. Last evaluated: 2023-04-04. Review status: no assertion criteria provided. Collection method: clinical testing. Allele origin: germline.
Comment: This variant is classified as likely benign based on ACMG/AMP sequence variant interpretation guidelines (Richards et al. 2015 PMID: 25741868, with internal and published modifications).